The following is an entry in ClinVar:

ClinVar aggregate classification (germline): Uncertain significance (1 of 4 stars; one submission).

Conditions:
Cowden syndrome 6 (CWS6). Identifiers: Orphanet 201, MedGen C3554519, MONDO:0014048, OMIM 615109.

Allele frequency attached by ClinVar (database versions not stated): gnomAD exomes below 0.00001; TOPMed below 0.00001; gnomAD 0.00001.

Submission:

Labcorp Genetics (formerly Invitae), Labcorp
Classification: Uncertain significance for Cowden syndrome 6. Last evaluated: 2024-04-23. Review status: criteria provided, single submitter. Criteria: Invitae Variant Classification Sherloc (09022015). Collection method: clinical testing. Allele origin: germline.
Comment: This sequence change replaces glutamic acid, which is acidic and polar, with lysine, which is basic and polar, at codon 115 of the AKT1 protein (p.Glu115Lys). This variant is present in population databases (no rsID available, gnomAD 0.007%). This variant has not been reported in the literature in individuals affected with AKT1-related conditions. ClinVar contains an entry for this variant (Variation ID: 1411629). An algorithm developed to predict the effect of missense changes on protein structure and function (PolyPhen-2) suggests that this variant is likely to be tolerated. In summary, the available evidence is currently insufficient to determine the role of this variant in disease. Therefore, it has been classified as a Variant of Uncertain Significance.

NM_001382430.1(AKT1):c.343G>A (p.Glu115Lys)

Gene: AKT1 (AKT serine/threonine kinase 1; minus strand). Cytogenetic location: 14q32.33.
Variant type: single nucleotide variant.
Coding change: c.343G>A on transcript NM_001382430.1 (MANE Select); coding-DNA position 343, G replaced by A.
Protein change: p.Glu115Lys; replaces glutamic acid 115 with lysine.
Molecular consequence: missense variant.
Genome position (GRCh38, 1-based): chr14:104,775,744, C>T on the plus strand (G>A on the coding strand, the complement: AKT1 is on the minus strand). VCF-style: chr14-104775744-C-T. GRCh37 (hg19) VCF-style: chr14-105242081-C-T.
Other names: c.343G>A, p.Glu115Lys (NM_001014431.2, NM_001014432.2, NM_001382431.1 and 3 more transcripts); short protein forms E115K.
Identifiers: ClinVar variation 1411629 (VCV001411629.8), dbSNP rs1338783398, ClinGen allele CA391220287.
Genomic context (GRCh38, chr14:104,775,744, plus strand): 5'-CCATCTCTTCAGCCCCTGAGTTGTCACTGGGTGAGCCCGACCGGAAGTCCATCTCCTCCT[C>T]CTCCTGCTTCTTGAGGCCGTCAGCCACAGTCTGGATGGCGGTTGTCCACTCCTCCCTGCA-3'
Protein context (NP_001369359.1, residues 105-125): TVADGLKKQE[Glu115Lys]EEMDFRSGSP